The following is an entry in ClinVar:

ClinVar aggregate classification (germline): Uncertain significance (1 of 4 stars; one submission).

Allele frequency attached by ClinVar (database versions not stated): gnomAD exomes below 0.00001; TOPMed below 0.00001.
gnomAD v4.1: 4 of 1,611,858 alleles (0.00025%); highest among the groups gnomAD compares: Non-Finnish European, 0.00025%; no homozygotes.

Submission:

Labcorp Genetics (formerly Invitae), Labcorp
Classification: Uncertain significance. Last evaluated: 2022-12-21. Review status: criteria provided, single submitter. Criteria: Invitae Variant Classification Sherloc (09022015). Collection method: clinical testing. Allele origin: germline.
Comment: In summary, the available evidence is currently insufficient to determine the role of this variant in disease. Therefore, it has been classified as a Variant of Uncertain Significance. Algorithms developed to predict the effect of sequence changes on RNA splicing suggest that this variant may disrupt the consensus splice site. Advanced modeling of protein sequence and biophysical properties (such as structural, functional, and spatial information, amino acid conservation, physicochemical variation, residue mobility, and thermodynamic stability) performed at Invitae indicates that this missense variant is not expected to disrupt ROBO1 protein function. This variant has not been reported in the literature in individuals affected with ROBO1-related conditions. This variant is not present in population databases (gnomAD no frequency). This sequence change replaces phenylalanine, which is neutral and non-polar, with leucine, which is neutral and non-polar, at codon 943 of the ROBO1 protein (p.Phe943Leu).

NM_002941.4(ROBO1):c.2829C>A (p.Phe943Leu)

Gene: ROBO1 (roundabout guidance receptor 1; minus strand). Cytogenetic location: 3p12.3.
Variant type: single nucleotide variant.
Coding change: c.2829C>A on transcript NM_002941.4 (MANE Select); coding-DNA position 2829, C replaced by A.
Protein change: p.Phe943Leu; replaces phenylalanine 943 with leucine.
Molecular consequence: missense variant. On other transcripts: intron variant (2).
Genome position (GRCh38, 1-based): chr3:78,647,639, G>T on the plus strand (C>A on the coding strand, the complement: ROBO1 is on the minus strand). VCF-style: chr3-78647639-G-T. GRCh37 (hg19) VCF-style: chr3-78696789-G-T.
Other names: c.2705-1449C>A (NM_001145845.2, NM_133631.4); short protein forms F943L.
Identifiers: ClinVar variation 2785814 (VCV002785814.3), dbSNP rs1706385313, ClinGen allele CA353657700.